The following is an entry in ClinVar:

ClinVar aggregate classification (germline): Pathogenic. Review status: criteria provided, single submitter (1 of 4 stars). 2 submissions from 1 submitter: Pathogenic (2). Last evaluated 2017-04-28.

Conditions:
Fanconi anemia complementation group J. Also called: BRIP1-Related Fanconi Anemia. Identifiers: Orphanet 84, MedGen C1836860, MONDO:0012187, OMIM 609054.
Familial cancer of breast. Also called: BREAST CANCER, FAMILIAL; hereditary breast carcinoma; Hereditary breast cancer. Identifiers: Orphanet 227535, MedGen C0346153, MONDO:0016419, OMIM 114480. Disease mechanism: loss of function.

Submissions (2):

Labcorp Genetics (formerly Invitae), Labcorp
Classification: Pathogenic for Familial cancer of breast. Last evaluated: 2017-04-28. Review status: criteria provided, single submitter. Criteria: Invitae Variant Classification Sherloc (09022015). Collection method: clinical testing. Allele origin: germline.
Comment: This sequence change deletes 1 nucleotide from exon 17 of the BRIP1 mRNA (c.2491delA), causing a frameshift at codon 831. This creates a premature translational stop signal (p.Arg831Aspfs*14) and is expected to result in an absent or disrupted protein product. While this particular variant has not been reported in the literature, loss-of-function variants in BRIP1 are known to be pathogenic (PMID: 16116423, 17033622, 21964575). For these reasons, this variant has been classified as Pathogenic.

Labcorp Genetics (formerly Invitae), Labcorp
Classification: Pathogenic for Familial cancer of breast; Fanconi anemia complementation group J. Last evaluated: 2017-04-18. Review status: criteria provided, single submitter. Criteria: Invitae Variant Classification Sherloc (09022015). Collection method: clinical testing. Allele origin: germline.
Comment: For these reasons, this variant has been classified as Pathogenic. While this particular variant has not been reported in the literature, loss-of-function variants in BRIP1 are known to be pathogenic (PMID: 16116423, 17033622, 21964575). This sequence change deletes 1 nucleotide from exon 17 of the BRIP1 mRNA (c.2491delA), causing a frameshift at codon 831. This creates a premature translational stop signal (p.Arg831Aspfs*14) and is expected to result in an absent or disrupted protein product.

Literature cited by the submitters: PubMed 16116423; PubMed 17033622; PubMed 21964575.

NM_032043.3(BRIP1):c.2491del (p.Arg831fs)

Gene: BRIP1 (BRCA1 interacting DNA helicase 1; minus strand). Cytogenetic location: 17q23.2.
Variant type: Deletion.
Coding change: c.2491del on transcript NM_032043.3 (MANE Select); coding-DNA position 2491, one base deleted (A; older notation c.2491delA).
Protein change: p.Arg831fs; shifts the reading frame from arginine 831.
Molecular consequence: frameshift variant.
Genome position (GRCh38, 1-based): chr17:61,715,952, T deleted on the plus strand (A on the coding strand, the reverse complement: BRIP1 is on the minus strand). VCF-style (leftmost placement, unchanged base first): chr17-61715951-CT-C. GRCh37 (hg19) VCF-style: chr17-59793312-CT-C.
Other names: c.2491delA (NM_032043.2); short protein forms R831fs.
Identifiers: ClinVar variation 461043 (VCV000461043.10), dbSNP rs1555580769, ClinGen allele CA658658658.